The following is an entry in ClinVar:

ClinVar aggregate classification (germline): Likely pathogenic (1 of 4 stars; one submission).

Conditions:
Congenital factor VII deficiency. Identifiers: Orphanet 327, MedGen C0272320, MONDO:0009211, OMIM 227500.
Myocardial infarction, susceptibility to. Identifiers: MedGen C1832662, MONDO:0012039, OMIM 608446.

gnomAD v4.1: 8 of 1,613,738 alleles (0.0005%); highest among the groups gnomAD compares: African/African-American, 0.0027%; no homozygotes.

Submission:

Juno Genomics, Hangzhou Juno Genomics, Inc
Classification: Likely pathogenic for Myocardial infarction, susceptibility to; Congenital factor VII deficiency. Review status: criteria provided, single submitter. Criteria: ACMG Guidelines, 2015. Collection method: clinical testing. Allele origin: germline.
Comment: Absent from controls (or at extremely low frequency if recessive) in Genome Aggregation Database.;Multiple lines of computational evidence support a deleterious effect on the gene or gene product.;For recessive disorders, detected in trans with a pathogenic variant.

NM_019616.4(F7):c.569G>A (p.Arg190Gln)

Gene: F7 (coagulation factor VII; plus strand). Cytogenetic location: 13q34.
Variant type: single nucleotide variant.
Coding change: c.569G>A on transcript NM_019616.4 (MANE Select); coding-DNA position 569, G replaced by A.
Protein change: p.Arg190Gln; replaces arginine 190 with glutamine.
Molecular consequence: missense variant. On other transcripts: non-coding transcript variant (1).
Genome position (GRCh38, 1-based): chr13:113,116,829, G>A. VCF-style: chr13-113116829-G-A. GRCh37 (hg19) VCF-style: chr13-113771143-G-A.
Other names: c.635G>A, p.Arg212Gln (NM_000131.5); c.383G>A, p.Arg128Gln (NM_001267554.2); short protein forms R128Q, R190Q, R212Q.
Identifiers: ClinVar variation 5019960 (VCV005019960.2).